The following is an entry in ClinVar:

ClinVar aggregate classification (germline): Uncertain significance. Review status: criteria provided, multiple submitters, no conflicts (2 of 4 stars). 3 submissions from 3 submitters: Uncertain significance (3). Last evaluated 2025-11-03.

Allele frequency attached by ClinVar (database versions not stated): ExAC 0.00013; gnomAD 0.00024; 1000 Genomes Project 30x 0.00031; TOPMed 0.00033; 1000 Genomes Project 0.00040; ESP Exome Variant Server 0.00046.
gnomAD v4.1: 136 of 1,613,922 alleles (0.0084%); highest among the groups gnomAD compares: African/African-American, 0.075%; no homozygotes.

Submissions (3):

Ambry Genetics
Classification: Uncertain significance. Last evaluated: 2025-11-03. Review status: criteria provided, single submitter. Criteria: Ambry Variant Classification Scheme 2023. Collection method: clinical testing. Allele origin: germline.

Labcorp Genetics (formerly Invitae), Labcorp
Classification: Uncertain significance. Last evaluated: 2024-10-22. Review status: criteria provided, single submitter. Criteria: Invitae Variant Classification Sherloc (09022015). Collection method: clinical testing. Allele origin: germline.
Comment: This sequence change replaces threonine, which is neutral and polar, with methionine, which is neutral and non-polar, at codon 229 of the CLIC5 protein (p.Thr229Met). This variant is present in population databases (rs200737296, gnomAD 0.1%), and has an allele count higher than expected for a pathogenic variant. This variant has not been reported in the literature in individuals affected with CLIC5-related conditions. An algorithm developed to predict the effect of missense changes on protein structure and function (PolyPhen-2) suggests that this variant is likely to be disruptive. In summary, the available evidence is currently insufficient to determine the role of this variant in disease. Therefore, it has been classified as a Variant of Uncertain Significance.

Blueprint Genetics
Classification: Uncertain significance. Last evaluated: 2023-02-01. Review status: criteria provided, single submitter. Criteria: ACMG Guidelines, 2015. Collection method: clinical testing. Allele origin: germline.

NM_016929.5(CLIC5):c.209C>T (p.Thr70Met)

Gene: CLIC5 (CLIC family member 5; minus strand). Cytogenetic location: 6p21.1.
Variant type: single nucleotide variant.
Coding change: c.209C>T on transcript NM_016929.5 (MANE Select); coding-DNA position 209, C replaced by T.
Protein change: p.Thr70Met; replaces threonine 70 with methionine.
Molecular consequence: missense variant.
Genome position (GRCh38, 1-based): chr6:45,949,346, G>A on the plus strand (C>T on the coding strand, the complement: CLIC5 is on the minus strand). VCF-style: chr6-45949346-G-A. GRCh37 (hg19) VCF-style: chr6-45917083-G-A.
Other names: c.686C>T (NM_001114086.1); c.686C>T, p.Thr229Met (NM_001114086.2, NM_001370650.1); c.209C>T, p.Thr70Met (NM_001256023.2); c.92C>T, p.Thr31Met (NM_001370649.1); short protein forms T229M, T70M, T31M.
Identifiers: ClinVar variation 2713841 (VCV002713841.5), dbSNP rs200737296, ClinGen allele CA3836870.